The following is an entry in ClinVar:

ClinVar aggregate classification (germline): Uncertain significance. Review status: criteria provided, multiple submitters, no conflicts (2 of 4 stars). 2 submissions from 2 submitters: Uncertain significance (2). Last evaluated 2025-03-07.

Conditions:
Hypercoagulability syndrome due to glycosylphosphatidylinositol deficiency (GPIBD1). Also called: GLYCOSYLPHOSPHATIDYLINOSITOL BIOSYNTHESIS DEFECT 1. Identifiers: Orphanet 83639, MedGen C5201145, MONDO:0012465, OMIM 610293.

Allele frequency attached by ClinVar (database versions not stated): gnomAD exomes 0.00001 and 0.00004; ExAC 0.00005; gnomAD 0.00006.
gnomAD v4.1: 22 of 1,614,020 alleles (0.0014%); highest among the groups gnomAD compares: Admixed American, 0.022%; no homozygotes.

Submissions (2):

Labcorp Genetics (formerly Invitae), Labcorp
Classification: Uncertain significance for Hypercoagulability syndrome due to glycosylphosphatidylinositol deficiency. Last evaluated: 2025-03-07. Review status: criteria provided, single submitter. Criteria: Invitae Variant Classification Sherloc (09022015). Collection method: clinical testing. Allele origin: germline.
Comment: This sequence change replaces arginine, which is basic and polar, with lysine, which is basic and polar, at codon 46 of the PIGM protein (p.Arg46Lys). This variant is present in population databases (rs759956537, gnomAD 0.03%). This variant has not been reported in the literature in individuals affected with PIGM-related conditions. ClinVar contains an entry for this variant (Variation ID: 193497). Invitae Evidence Modeling of protein sequence and biophysical properties (such as structural, functional, and spatial information, amino acid conservation, physicochemical variation, residue mobility, and thermodynamic stability) indicates that this missense variant is not expected to disrupt PIGM protein function with a negative predictive value of 80%. In summary, the available evidence is currently insufficient to determine the role of this variant in disease. Therefore, it has been classified as a Variant of Uncertain Significance.

Eurofins Ntd Llc (ga)
Classification: Uncertain significance. Last evaluated: 2014-05-30. Review status: criteria provided, single submitter. Criteria: EGL Classification Definitions 2015. Collection method: clinical testing. Allele origin: germline. Observed: 1 variant allele, 1 heterozygote.

NM_145167.3(PIGM):c.137G>A (p.Arg46Lys)

Gene: PIGM (phosphatidylinositol glycan anchor biosynthesis class M; minus strand). Cytogenetic location: 1q23.2.
Variant type: single nucleotide variant.
Coding change: c.137G>A on transcript NM_145167.3 (MANE Select); coding-DNA position 137, G replaced by A.
Protein change: p.Arg46Lys; replaces arginine 46 with lysine.
Molecular consequence: missense variant.
Genome position (GRCh38, 1-based): chr1:160,031,603, C>T on the plus strand (G>A on the coding strand, the complement: PIGM is on the minus strand). VCF-style: chr1-160031603-C-T. GRCh37 (hg19) VCF-style: chr1-160001393-C-T.
Other names: short protein forms R46K.
Identifiers: ClinVar variation 193497 (VCV000193497.10), dbSNP rs759956537, ClinGen allele CA239024.